The following is an entry in ClinVar:

ClinVar aggregate classification (germline): Uncertain significance (1 of 4 stars; one submission).

Conditions:
KMT2D-related disorder. Also called: KMT2D-Related Disorders.

gnomAD v4.1: 2 of 1,574,282 alleles (0.00013%); highest among the groups gnomAD compares: East Asian, 0.0047%; no homozygotes.

Submission:

PreventionGenetics, part of Exact Sciences
Classification: Uncertain significance for KMT2D-related condition. Last evaluated: 2025-10-23. Review status: criteria provided, single submitter. Criteria: ACMG Guidelines, 2015. Collection method: clinical testing. Allele origin: germline.
Comment: The KMT2D c.11300A>G variant is predicted to result in the amino acid substitution p.Gln3767Arg. To our knowledge, this variant has not been reported in the literature or in a large population database (gnomAD), indicating this variant is rare. At this time, the clinical significance of this variant is uncertain due to the absence of conclusive functional and genetic evidence.

NM_003482.4(KMT2D):c.11300A>G (p.Gln3767Arg)

Gene: KMT2D (lysine methyltransferase 2D; minus strand). Cytogenetic location: 12q13.12.
Variant type: single nucleotide variant.
Coding change: c.11300A>G on transcript NM_003482.4 (MANE Select); coding-DNA position 11300, A replaced by G.
Protein change: p.Gln3767Arg; replaces glutamine 3767 with arginine.
Molecular consequence: missense variant.
Genome position (GRCh38, 1-based): chr12:49,033,405, T>C on the plus strand (A>G on the coding strand, the complement: KMT2D is on the minus strand). VCF-style: chr12-49033405-T-C. GRCh37 (hg19) VCF-style: chr12-49427188-T-C.
Other names: short protein forms Q3767R.
Identifiers: ClinVar variation 4983396 (VCV004983396.1).